The following is an entry in ClinVar:

ClinVar aggregate classification (germline): Uncertain significance (1 of 4 stars; one submission).

Conditions:
Catecholaminergic polymorphic ventricular tachycardia 1. Also called: VENTRICULAR TACHYCARDIA, CATECHOLAMINERGIC POLYMORPHIC, 1, WITH OR WITHOUT ATRIAL DYSFUNCTION AND/OR DILATED CARDIOMYOPATHY; RYR2-Related Catecholaminergic Polymorphic Ventricular Tachycardia; VENTRICULAR TACHYCARDIA, STRESS-INDUCED POLYMORPHIC 1. Identifiers: Orphanet 3286, MedGen C1631597, MONDO:0011484, OMIM 604772.

gnomAD v4.1: 8 of 1,558,950 alleles (0.00051%); highest among the groups gnomAD compares: East Asian, 0.0047%; no homozygotes.

Submission:

Labcorp Genetics (formerly Invitae), Labcorp
Classification: Uncertain significance for Catecholaminergic polymorphic ventricular tachycardia 1. Last evaluated: 2026-01-31. Review status: criteria provided, single submitter. Criteria: Invitae Variant Classification Sherloc (09022015). Collection method: clinical testing. Allele origin: germline.
Comment: This sequence change replaces arginine, which is basic and polar, with histidine, which is basic and polar, at codon 93 of the TRDN protein (p.Arg93His). The frequency data for this variant in the population databases is considered unreliable, as metrics indicate poor data quality at this position in the gnomAD database. This variant has not been reported in the literature in individuals affected with TRDN-related conditions. Invitae Evidence Modeling of protein sequence and biophysical properties (such as structural, functional, and spatial information, amino acid conservation, physicochemical variation, residue mobility, and thermodynamic stability) indicates that this missense variant is not expected to disrupt TRDN protein function with a negative predictive value of 80%. In summary, the available evidence is currently insufficient to determine the role of this variant in disease. Therefore, it has been classified as a Variant of Uncertain Significance.

NM_006073.4(TRDN):c.278G>A (p.Arg93His)

Gene: TRDN (triadin; minus strand). Cytogenetic location: 6q22.31.
Variant type: single nucleotide variant.
Coding change: c.278G>A on transcript NM_006073.4 (MANE Select); coding-DNA position 278, G replaced by A.
Protein change: p.Arg93His; replaces arginine 93 with histidine.
Molecular consequence: missense variant.
Genome position (GRCh38, 1-based): chr6:123,548,567, C>T on the plus strand (G>A on the coding strand, the complement: TRDN is on the minus strand). VCF-style: chr6-123548567-C-T. GRCh37 (hg19) VCF-style: chr6-123869712-C-T.
Other names: c.278G>A, p.Arg93His (NM_001251987.2, NM_001256020.2, NM_001256021.2 and 2 more transcripts); short protein forms R93H.
Identifiers: ClinVar variation 4752052 (VCV004752052.1).